The following is an entry in ClinVar:

NM_001205293.3(CACNA1E):c.6567C>T (p.Ser2189=)

Gene: CACNA1E (calcium voltage-gated channel subunit alpha1 E; plus strand). Cytogenetic location: 1q25.3.
Variant type: single nucleotide variant.
Coding change: c.6567C>T on transcript NM_001205293.3 (MANE Select); coding-DNA position 6567, C replaced by T.
Protein change: p.Ser2189=; no amino-acid change (serine 2189 retained).
Molecular consequence: synonymous variant.
Genome position (GRCh38, 1-based): chr1:181,798,459, C>T. VCF-style: chr1-181798459-C-T. GRCh37 (hg19) VCF-style: chr1-181767595-C-T.
Other names: p.Ser2146=; c.6438C>T, p.Ser2146= (NM_000721.4); c.6381C>T, p.Ser2127= (NM_001205294.2).
Identifiers: ClinVar variation 1274442 (VCV001274442.13), dbSNP rs34942364, ClinGen allele CA1276445.

ClinVar aggregate classification (germline): Benign. Review status: criteria provided, multiple submitters, no conflicts (2 of 4 stars). 6 submissions from 6 submitters: Benign (5). 1 of the submissions does not count toward it. Last evaluated 2026-02-03.

Conditions:
CACNA1E-related disorder. Also called: CACNA1E-related condition.
Developmental and epileptic encephalopathy, 69. Also called: EPILEPTIC ENCEPHALOPATHY, EARLY INFANTILE, 69. Identifiers: MedGen C4748988, MONDO:0032657, OMIM 618285.

Allele frequency attached by ClinVar (database versions not stated): ESP Exome Variant Server 0.00805; 1000 Genomes Project 0.01038; 1000 Genomes Project 30x 0.01124; gnomAD exomes 0.01169 and 0.01484; gnomAD 0.01197 and 0.01214; ExAC 0.01286; TOPMed 0.01335.
gnomAD v4.1: 18,779 of 1,613,828 alleles (1.2%); highest among the groups gnomAD compares: Admixed American, 5.4%; 193 homozygotes.

Submissions (6):

Labcorp Genetics (formerly Invitae), Labcorp
Classification: Benign. Last evaluated: 2026-02-03. Review status: criteria provided, single submitter. Criteria: Invitae Variant Classification Sherloc (09022015). Collection method: clinical testing. Allele origin: germline.

Mayo Clinic Laboratories, Mayo Clinic
Classification: Benign. Last evaluated: 2023-04-28. Review status: criteria provided, single submitter. Criteria: ACMG Guidelines, 2015. Collection method: clinical testing. Allele origin: germline. Observed: 6 variant alleles.

Genome-Nilou Lab
Classification: Benign for Developmental and epileptic encephalopathy, 69. Last evaluated: 2023-04-11. Review status: criteria provided, single submitter. Criteria: ACMG Guidelines, 2015. Collection method: clinical testing. Allele origin: germline. Affected: no.

GeneDx
Classification: Benign. Last evaluated: 2021-03-26. Review status: criteria provided, single submitter. Criteria: GeneDx Variant Classification Process June 2021. Collection method: clinical testing. Allele origin: germline. Affected: yes.

Breakthrough Genomics
Classification: Benign. Review status: criteria provided, single submitter. Criteria: ACMG Guidelines, 2015. Collection method: not provided. Allele origin: germline. Inheritance: Autosomal dominant inheritance. Affected: yes.

PreventionGenetics, part of Exact Sciences
Classification: Benign for CACNA1E-related condition. Last evaluated: 2023-11-30. Review status: no assertion criteria provided. Collection method: clinical testing. Allele origin: germline. Not counted in ClinVar's aggregate classification.
Comment: This variant is classified as benign based on ACMG/AMP sequence variant interpretation guidelines (Richards et al. 2015 PMID: 25741868, with internal and published modifications).